The following is an entry in ClinVar:

ClinVar aggregate classification (germline): Likely benign (1 of 4 stars; one submission).

Allele frequency attached by ClinVar (database versions not stated): 1000 Genomes Project 0.00020; 1000 Genomes Project 30x 0.00047; ESP Exome Variant Server 0.00261; gnomAD exomes 0.00319.
gnomAD v4.1: 4,957 of 1,613,874 alleles (0.31%); highest among the groups gnomAD compares: Non-Finnish European, 0.39%; 17 homozygotes.

Submission:

CeGaT Center for Human Genetics Tuebingen
Classification: Likely benign. Last evaluated: 2023-01-01. Review status: criteria provided, single submitter. Criteria: CeGaT Center For Human Genetics Tuebingen Variant Classification Criteria Version 2. Collection method: clinical testing. Allele origin: germline. Affected: yes. Observed: 1 variant allele.
Comment: NMBR: BP4, BS2

NM_002511.4(NMBR):c.499A>G (p.Ile167Val)

Gene: NMBR (neuromedin B receptor; minus strand). Cytogenetic location: 6q24.1.
Variant type: single nucleotide variant.
Coding change: c.499A>G on transcript NM_002511.4 (MANE Select); coding-DNA position 499, A replaced by G.
Protein change: p.Ile167Val; replaces isoleucine 167 with valine.
Molecular consequence: missense variant.
Genome position (GRCh38, 1-based): chr6:142,078,827, T>C on the plus strand (A>G on the coding strand, the complement: NMBR is on the minus strand). VCF-style: chr6-142078827-T-C. GRCh37 (hg19) VCF-style: chr6-142399964-T-C.
Other names: c.55A>G, p.Ile19Val (NM_001324307.2, NM_001324308.2); short protein forms I167V, I19V.
Identifiers: ClinVar variation 2656945 (VCV002656945.24), dbSNP rs56126862, ClinGen allele CA4025974.